The following is an entry in ClinVar:

ClinVar aggregate classification (germline): Uncertain significance (1 of 4 stars; one submission).

Conditions:
3-methylglutaconic aciduria, type VIIB (MGCA7B). Also called: CLPB Deficiency; 3-methylglutaconic aciduria with cataracts, neurologic involvement and neutropenia; 3-methylglutaconic aciduria, type VII, with cataracts, neurologic involvement and neutropenia. Identifiers: Orphanet 445038, MedGen C5676893, MONDO:0014561, OMIM 616271.

Submission:

Labcorp Genetics (formerly Invitae), Labcorp
Classification: Uncertain significance for 3-methylglutaconic aciduria, type VIIB. Last evaluated: 2023-12-02. Review status: criteria provided, single submitter. Criteria: Invitae Variant Classification Sherloc (09022015). Collection method: clinical testing. Allele origin: germline.
Comment: This sequence change replaces glycine, which is neutral and non-polar, with glutamic acid, which is acidic and polar, at codon 425 of the CLPB protein (p.Gly425Glu). This variant is not present in population databases (gnomAD no frequency). This variant has not been reported in the literature in individuals affected with CLPB-related conditions. An algorithm developed to predict the effect of missense changes on protein structure and function (PolyPhen-2) suggests that this variant is likely to be disruptive. In summary, the available evidence is currently insufficient to determine the role of this variant in disease. Therefore, it has been classified as a Variant of Uncertain Significance.

NM_001258392.3(CLPB):c.1184G>A (p.Gly395Glu)

Genes: CLPB (ClpB family mitochondrial disaggregase; minus strand), LOC126861258 (MED14-independent group 3 enhancer GRCh37_chr11:72012242-72013441; plus strand). Cytogenetic location: 11q13.4.
Variant type: single nucleotide variant.
Coding change: c.1184G>A on transcript NM_001258392.3 (MANE Select); coding-DNA position 1184, G replaced by A.
Protein change: p.Gly395Glu; replaces glycine 395 with glutamic acid.
Molecular consequence: missense variant.
Genome position (GRCh38, 1-based): chr11:72,301,948, C>T on the plus strand (G>A on the coding strand, the complement: CLPB is on the minus strand). VCF-style: chr11-72301948-C-T. GRCh37 (hg19) VCF-style: chr11-72012992-C-T.
Other names: c.1097G>A, p.Gly366Glu (NM_001258393.3); c.1139G>A, p.Gly380Glu (NM_001258394.3); c.1274G>A, p.Gly425Glu (NM_030813.6); short protein forms G395E, G425E, G366E, G380E.
Identifiers: ClinVar variation 2700559 (VCV002700559.3), dbSNP rs2539343785, ClinGen allele CA381733192.